The following is an entry in ClinVar:

ClinVar aggregate classification (germline): no classifications from unflagged records (0 of 4 stars; one submission).

Submission:

ARUP Laboratories, Cytogenetics and Genomic Microarray, ARUP Laboratories
Classification: Pathogenic. Last evaluated: 2015-11-01. Review status: flagged submission. Criteria: ARUP Cytogenomic Constitutional CNV Assertion Criteria. Collection method: clinical testing. Allele origin: germline. Observed: 1 variant allele.
ClinVar note: Notes: This submission was flagged because its interpretation of this variant conflicts with the ClinGen Gene Dosage Map curation for the gene JAG1.
ClinVar note: Reason: Conflict with ClinGen Gene Dosage Map

GRCh37/hg19 20p12.2(chr20:10573642-10778864)x1

Genes: JAG1 (jagged canonical Notch ligand 1; minus strand), SLX4IP (SLX4 interacting protein; plus strand). Cytogenetic location: 20p12.2.
Variant type: copy number loss.
Change: copy number 1 (one copy instead of two) of chr20:10,573,642-10,778,864 (205.2 kb, GRCh37 coordinates, 1-based), cytogenetic band 20p12.2.
Identifiers: ClinVar variation 1526684 (VCV001526684.4).